The following is an entry in ClinVar:

NM_001015880.2(PAPSS2):c.532A>C (p.Ile178Leu)

Gene: PAPSS2 (3'-phosphoadenosine 5'-phosphosulfate synthase 2; plus strand). Cytogenetic location: 10q23.31.
Variant type: single nucleotide variant.
Coding change: c.532A>C on transcript NM_001015880.2 (MANE Select); coding-DNA position 532, A replaced by C.
Protein change: p.Ile178Leu; replaces isoleucine 178 with leucine.
Molecular consequence: missense variant.
Genome position (GRCh38, 1-based): chr10:87,714,756, A>C. VCF-style: chr10-87714756-A-C. GRCh37 (hg19) VCF-style: chr10-89474513-A-C.
Other names: c.532A>C, p.Ile178Leu (NM_004670.4); short protein forms I178L.
Identifiers: ClinVar variation 1389036 (VCV001389036.3), dbSNP rs374321628, ClinGen allele CA5589485.

ClinVar aggregate classification (germline): Uncertain significance (1 of 4 stars; one submission).

Conditions:
Spondyloepimetaphyseal dysplasia, PAPSS2 type. Also called: BRACHYOLMIA TYPE 4 WITH MILD EPIPHYSEAL AND METAPHYSEAL CHANGES; SPONDYLODYSPLASIA AND PREMATURE PUBARCHE; SEMD, PAKISTANI TYPE. Identifiers: Orphanet 93282, MedGen C2748516, MONDO:0019666, OMIM 612847.

Allele frequency attached by ClinVar (database versions not stated): gnomAD 0.00002; TOPMed 0.00002; ESP Exome Variant Server 0.00015.
gnomAD v4.1: 61 of 1,593,504 alleles (0.0038%); highest among the groups gnomAD compares: Non-Finnish European, 0.0052%; no homozygotes.

Submission:

Labcorp Genetics (formerly Invitae), Labcorp
Classification: Uncertain significance for Spondyloepimetaphyseal dysplasia, PAPSS2 type. Last evaluated: 2021-10-01. Review status: criteria provided, single submitter. Criteria: Invitae Variant Classification Sherloc (09022015). Collection method: clinical testing. Allele origin: germline.
Comment: This sequence change replaces isoleucine with leucine at codon 178 of the PAPSS2 protein (p.Ile178Leu). The isoleucine residue is highly conserved and there is a small physicochemical difference between isoleucine and leucine. This variant is present in population databases (rs374321628, ExAC 0.009%). This variant has not been reported in the literature in individuals affected with PAPSS2-related conditions. Algorithms developed to predict the effect of missense changes on protein structure and function are either unavailable or do not agree on the potential impact of this missense change (SIFT: "Deleterious"; PolyPhen-2: "Benign"; Align-GVGD: "Class C0"). In summary, the available evidence is currently insufficient to determine the role of this variant in disease. Therefore, it has been classified as a Variant of Uncertain Significance.